The following is an entry in ClinVar:

NM_001375380.1(EBF3):c.1696del (p.Val566fs)

Gene: EBF3 (EBF transcription factor 3; minus strand). Cytogenetic location: 10q26.3.
Variant type: Deletion.
Coding change: c.1696del on transcript NM_001375380.1 (MANE Select); coding-DNA position 1696, one base deleted (G; older notation c.1696delG).
Protein change: p.Val566fs; shifts the reading frame from valine 566.
Molecular consequence: frameshift variant.
Genome position (GRCh38, 1-based): chr10:129,840,308, C deleted on the plus strand (G on the coding strand, the reverse complement: EBF3 is on the minus strand). VCF-style (leftmost placement, unchanged base first): chr10-129840307-AC-A. GRCh37 (hg19) VCF-style: chr10-131638571-AC-A.
Other names: c.1588del, p.Val530fs (NM_001375389.1, NM_001375391.1); c.1561del, p.Val521fs (NM_001375390.1, NM_001005463.3); c.1480del, p.Val494fs (NM_001375392.1); c.1696del, p.Val566fs (NM_001375379.1); short protein forms V494fs, V521fs, V530fs, V566fs.
Identifiers: ClinVar variation 1068622 (VCV001068622.7), dbSNP rs2133941660, ClinGen allele CA2499220192.

ClinVar aggregate classification (germline): Pathogenic (1 of 4 stars; one submission).

Submission:

Labcorp Genetics (formerly Invitae), Labcorp
Classification: Pathogenic. Last evaluated: 2017-12-06. Review status: criteria provided, single submitter. Criteria: Invitae Variant Classification Sherloc (09022015). Collection method: clinical testing. Allele origin: germline.
Comment: For these reasons, this variant has been classified as Pathogenic. Loss-of-function variants in EBF3 are known to be pathogenic (PMID: 28017370, 28017373). This variant has not been reported in the literature in individuals with EBF3-related disease. This variant is not present in population databases (ExAC no frequency). This sequence change creates a premature translational stop signal (p.Val521Trpfs*27) in the EBF3 gene. It is expected to result in an absent or disrupted protein product.

Literature cited by the submitters: PubMed 28017370; PubMed 28017373.